The following is an entry in ClinVar:

NM_005802.5(TOPORS):c.166G>T (p.Ala56Ser)

Gene: TOPORS (TOP1 binding arginine/serine rich protein, E3 ubiquitin ligase; minus strand). Cytogenetic location: 9p21.1.
Variant type: single nucleotide variant.
Coding change: c.166G>T on transcript NM_005802.5 (MANE Select); coding-DNA position 166, G replaced by T.
Protein change: p.Ala56Ser; replaces alanine 56 with serine.
Molecular consequence: missense variant. On other transcripts: intron variant (1).
Genome position (GRCh38, 1-based): chr9:32,550,806, C>A on the plus strand (G>T on the coding strand, the complement: TOPORS is on the minus strand). VCF-style: chr9-32550806-C-A. GRCh37 (hg19) VCF-style: chr9-32550804-C-A.
Other names: c.166G>T (NM_005802.4); c.3+1628G>T (NM_001195622.2); short protein forms A56S.
Identifiers: ClinVar variation 3680384 (VCV003680384.3).
Genomic context (GRCh38, chr9:32,550,806, plus strand): 5'-GCGTCCCATTGTTCCGAATCTCACTCACCTCGGAGGATGCCGGCGCAGGCCTGGCTGGGG[C>A]GCTCGCCGCGAGCTCCCGGCAGCCCAGAAAGCTAGGTCGGTGTCGGCAGGATCCGCGAAG-3'
Protein context (NP_005793.2, residues 46-66): FLGCRELAAS[Ala56Ser]PARPAPASSE

ClinVar aggregate classification (germline): Uncertain significance. Review status: criteria provided, multiple submitters, no conflicts (2 of 4 stars). 2 submissions from 2 submitters: Uncertain significance (2). Last evaluated 2025-06-17.

Conditions:
Inborn genetic diseases. Identifiers: MedGen C0950123, MeSH D030342.

gnomAD v4.1: 2 of 1,612,554 alleles (0.00012%); highest among the groups gnomAD compares: Non-Finnish European, 0.00017%; no homozygotes.

Submissions (2):

Ambry Genetics
Classification: Uncertain significance for Inborn genetic diseases. Last evaluated: 2025-06-17. Review status: criteria provided, single submitter. Criteria: Ambry Variant Classification Scheme 2023. Collection method: clinical testing. Allele origin: germline.

Labcorp Genetics (formerly Invitae), Labcorp
Classification: Uncertain significance. Last evaluated: 2025-01-07. Review status: criteria provided, single submitter. Criteria: Invitae Variant Classification Sherloc (09022015). Collection method: clinical testing. Allele origin: germline.
Comment: This sequence change replaces alanine, which is neutral and non-polar, with serine, which is neutral and polar, at codon 56 of the TOPORS protein (p.Ala56Ser). This variant is not present in population databases (gnomAD no frequency). This variant has not been reported in the literature in individuals affected with TOPORS-related conditions. An algorithm developed to predict the effect of missense changes on protein structure and function outputs the following: PolyPhen-2: "Benign". The serine amino acid residue is found in multiple mammalian species, which suggests that this missense change does not adversely affect protein function. In summary, the available evidence is currently insufficient to determine the role of this variant in disease. Therefore, it has been classified as a Variant of Uncertain Significance.